The following is an entry in ClinVar:

NM_014704.4(CEP104):c.2620C>G (p.Arg874Gly)

Gene: CEP104 (centrosomal protein 104; minus strand). Cytogenetic location: 1p36.32.
Variant type: single nucleotide variant.
Coding change: c.2620C>G on transcript NM_014704.4 (MANE Select); coding-DNA position 2620, C replaced by G.
Protein change: p.Arg874Gly; replaces arginine 874 with glycine.
Molecular consequence: missense variant.
Genome position (GRCh38, 1-based): chr1:3,816,322, G>C on the plus strand (C>G on the coding strand, the complement: CEP104 is on the minus strand). VCF-style: chr1-3816322-G-C. GRCh37 (hg19) VCF-style: chr1-3732886-G-C.
Other names: short protein forms R874G.
Identifiers: ClinVar variation 3769464 (VCV003769464.2).

ClinVar aggregate classification (germline): Uncertain significance (1 of 4 stars; one submission).

gnomAD v4.1: 6 of 1,553,582 alleles (0.00039%); highest among the groups gnomAD compares: Admixed American, 0.002%; no homozygotes.

Submission:

Women's Health and Genetics/Laboratory Corporation of America, LabCorp
Classification: Uncertain significance. Last evaluated: 2025-01-23. Review status: criteria provided, single submitter. Criteria: LabCorp Variant Classification Summary - May 2015. Collection method: clinical testing. Allele origin: germline.
Comment: Variant summary: CEP104 c.2620C>G (p.Arg874Gly) results in a non-conservative amino acid change in the encoded protein sequence. Four of five in-silico tools predict a damaging effect of the variant on protein function. The variant allele was found at a frequency of 6.2e-06 in 162228 control chromosomes. The available data on variant occurrences in the general population are insufficient to allow any conclusion about variant significance. To our knowledge, no occurrence of c.2620C>G in individuals affected with Joubert Syndrome And Related Disorders and no experimental evidence demonstrating its impact on protein function have been reported. No submitters have cited clinical-significance assessments for this variant to ClinVar. Based on the evidence outlined above, the variant was classified as uncertain significance.